The following is an entry in ClinVar:

ClinVar aggregate classification (germline): Uncertain significance. Review status: criteria provided, multiple submitters, no conflicts (2 of 4 stars). 4 submissions from 4 submitters: Uncertain significance (4). Last evaluated 2024-12-01.

Conditions:
Cardiomyopathy (CMYO). Also called: Cardiomyopathies. Identifiers: Orphanet 167848, MedGen C0878544, MONDO:0004994, HP:0001638. Inheritance: Various modes of inheritance.
Dilated cardiomyopathy 1G (CMD1G). Identifiers: Orphanet 154, MedGen C1858763, MONDO:0011400, OMIM 604145.
Autosomal recessive limb-girdle muscular dystrophy type 2J (LGMDR10). Also called: Limb-girdle muscular dystrophy, type 2J; MUSCULAR DYSTROPHY, LIMB-GIRDLE, AUTOSOMAL RECESSIVE 10. Identifiers: Orphanet 140922, MedGen C1837342, MONDO:0012127, OMIM 608807.

Submissions (4):

CeGaT Center for Human Genetics Tuebingen
Classification: Uncertain significance. Last evaluated: 2024-12-01. Review status: criteria provided, single submitter. Criteria: CeGaT Center For Human Genetics Tuebingen Variant Classification Criteria Version 2. Collection method: clinical testing. Allele origin: germline. Affected: yes. Observed: 1 variant allele.
Comment: TTN: PM2, PM4:Supporting

Revvity Omics, Revvity
Classification: Uncertain significance. Last evaluated: 2021-07-23. Review status: criteria provided, single submitter. Criteria: ACMG Guidelines, 2015. Collection method: clinical testing. Allele origin: germline.

CHEO Genetics Diagnostic Laboratory, Children's Hospital of Eastern Ontario
Classification: Uncertain significance for Cardiomyopathy. Last evaluated: 2021-04-14. Review status: criteria provided, single submitter. Criteria: ACMG Guidelines, 2015. Collection method: clinical testing. Allele origin: germline.

Labcorp Genetics (formerly Invitae), Labcorp
Classification: Uncertain significance for Dilated cardiomyopathy 1G; Autosomal recessive limb-girdle muscular dystrophy type 2J. Last evaluated: 2015-12-22. Review status: criteria provided, single submitter. Criteria: Invitae Variant Classification Sherloc (09022015). Collection method: clinical testing. Allele origin: germline.

NM_001267550.2(TTN):c.4057GTT[1] (p.Val1354del)

Genes: TTN (titin; minus strand), LOC101927055 (uncharacterized LOC101927055; plus strand). Cytogenetic location: 2q31.2.
Variant type: Microsatellite.
Coding change: c.4057GTT[1] on transcript NM_001267550.2 (MANE Select); one copy of the 3-base unit GTT starting at c.4057; the reference has two copies in a row; one copy, 3 bases deleted.
Protein change: p.Val1354del; deletes valine 1354.
Molecular consequence: inframe deletion.
Genome position (GRCh38, 1-based): chr2:178,779,020-178,779,022, AAC deleted on the plus strand (GTT on the coding strand, the reverse complement: TTN is on the minus strand); deleting any 3 consecutive bases within chr2:178,779,020-178,779,026 gives the same sequence; the position shown is the placement nearest the transcript's 3' end. VCF-style (leftmost placement, unchanged base first): chr2-178779019-GAAC-G. GRCh37 (hg19) VCF-style: chr2-179643746-GAAC-G.
Other names: c.4060_4062delGTT (NM_001267550.2); c.4060_4062del (NM_133378.4, NM_001256850.1); c.4057GTT[1], p.Val1354del (NM_001256850.1, NM_133378.4, NM_133379.5); c.3919GTT[1], p.Val1308del (NM_003319.4, NM_133432.3, NM_133437.4); short protein forms V1354del, V1308del.
Identifiers: ClinVar variation 238772 (VCV000238772.21), dbSNP rs878854304, ClinGen allele CA10581904.
Genomic context (GRCh38, chr2:178,779,019, plus strand): 5'-AAATTGCATTTCCTTTAATATTGCTGGCAAATGCAGTGTAGATTCCTTCATCTTCTGGAA[GAAC>G]AACAGGTATACGCAGACTAGCTCTGCCATCTTGTAGAAAGTCCATTTGGTATCTTTCTCC-3'